The following is an entry in ClinVar:

ClinVar aggregate classification (germline): Pathogenic (1 of 4 stars; one submission).

Conditions:
Cystic fibrosis (CF). Also called: MUCOVISCIDOSIS. Identifiers: Orphanet 586, MedGen C0010674, MONDO:0009061, OMIM 219700. Disease mechanism: loss of function.

Submission:

Labcorp Genetics (formerly Invitae), Labcorp
Classification: Pathogenic for Cystic fibrosis. Last evaluated: 2018-02-11. Review status: criteria provided, single submitter. Criteria: Invitae Variant Classification Sherloc (09022015). Collection method: clinical testing. Allele origin: germline.
Comment: This variant is an in-frame deletion of the genomic region encompassing exons 4-11 of the CFTR gene. It preserves the integrity of the reading frame. This deletion has been observed on the opposite chromosome (in trans) from a pathogenic variant in individuals affected with cystic fibrosis (PMID: 9452112, 24649380). This finding is consistent with autosomal recessive inheritance, and suggests that this variant contributes to disease. Similar in-frame deletions of exons 4-7 and exons 4-10 have been reported in individuals affected with cystic fibrosis (PMID: 9452112, 26708955). Deletion of exons 4-10 is also known as deletion of exons 4-11 in the literature. Multiple missense substitutions, including â€šÃ ÃœF508 and p.Arg347His, located within the deleted region are well-established pathogenic variants (PMID: 2475911, 15371902, 23974870). This suggests that this region is critical for CFTR protein function and that deletion of this region may also be pathogenic. For these reasons, this variant has been classified as Pathogenic.

Literature cited by the submitters: PubMed 9452112; PubMed 15371902; PubMed 2475911; PubMed 24649380; PubMed 23974870; PubMed 26708955.

NC_000007.14:g.(?_117530879)_(117559675_?)del

Genes: CFTR-AS1 (CFTR antisense RNA 1; minus strand), CFTR (CF transmembrane conductance regulator; plus strand), LOC113219471 (greater CFTR locus negative regulatory element CR19; plus strand). Cytogenetic location: 7q31.2.
Variant type: Deletion.
Identifiers: ClinVar variation 526029 (VCV000526029.1).